The following is an entry in ClinVar:

NM_198586.3(NHLRC1):c.896C>T (p.Ser299Leu)

Gene: NHLRC1 (NHL repeat containing E3 ubiquitin protein ligase 1; minus strand). Cytogenetic location: 6p22.3.
Variant type: single nucleotide variant.
Coding change: c.896C>T on transcript NM_198586.3 (MANE Select); coding-DNA position 896, C replaced by T.
Protein change: p.Ser299Leu; replaces serine 299 with leucine.
Molecular consequence: missense variant.
Genome position (GRCh38, 1-based): chr6:18,121,711, G>A on the plus strand (C>T on the coding strand, the complement: NHLRC1 is on the minus strand). VCF-style: chr6-18121711-G-A. GRCh37 (hg19) VCF-style: chr6-18121942-G-A.
Other names: short protein forms S299L.
Identifiers: ClinVar variation 2079719 (VCV002079719.4), dbSNP rs777509826, ClinGen allele CA3649907.

ClinVar aggregate classification (germline): Uncertain significance (1 of 4 stars; one submission).

Conditions:
Lafora disease. Also called: Epilepsy progressive myoclonic 2; Progressive Myoclonus Epilepsy, Lafora Type. Identifiers: Orphanet 501, MedGen C0751783, MONDO:0009697.

Allele frequency attached by ClinVar (database versions not stated): TOPMed below 0.00001; ExAC 0.00001.
gnomAD v4.1: 2 of 1,614,048 alleles (0.00012%); highest among the groups gnomAD compares: Non-Finnish European, 0.00017%; no homozygotes.

Submission:

Labcorp Genetics (formerly Invitae), Labcorp
Classification: Uncertain significance for Lafora disease. Last evaluated: 2022-01-11. Review status: criteria provided, single submitter. Criteria: Invitae Variant Classification Sherloc (09022015). Collection method: clinical testing. Allele origin: germline.
Comment: This variant is present in population databases (rs777509826, gnomAD 0.0009%). This sequence change replaces serine, which is neutral and polar, with leucine, which is neutral and non-polar, at codon 299 of the NHLRC1 protein (p.Ser299Leu). In summary, the available evidence is currently insufficient to determine the role of this variant in disease. Therefore, it has been classified as a Variant of Uncertain Significance. Algorithms developed to predict the effect of missense changes on protein structure and function are either unavailable or do not agree on the potential impact of this missense change (SIFT: "Deleterious"; PolyPhen-2: "Benign"; Align-GVGD: "Class C15"). This variant has not been reported in the literature in individuals affected with NHLRC1-related conditions.